The following is an entry in ClinVar:

ClinVar aggregate classification (germline): Uncertain significance. Review status: criteria provided, multiple submitters, no conflicts (2 of 4 stars). 3 submissions from 3 submitters: Uncertain significance (3). Last evaluated 2025-10-23.

Conditions:
Hypertrophic cardiomyopathy. Also called: HYPERTROPHIC MYOCARDIOPATHY. Identifiers: Orphanet 217569, MedGen C0007194, MeSH D002312, MONDO:0005045, HP:0001639.

Allele frequency attached by ClinVar (database versions not stated): gnomAD exomes 0.00005 and 0.00003; ExAC 0.00008; ESP Exome Variant Server 0.00008; gnomAD 0.00020 and 0.00017; TOPMed 0.00017.
gnomAD v4.1: 66 of 1,603,916 alleles (0.0041%); highest among the groups gnomAD compares: African/African-American, 0.052%; no homozygotes.

Submissions (3):

Labcorp Genetics (formerly Invitae), Labcorp
Classification: Uncertain significance for Hypertrophic cardiomyopathy. Last evaluated: 2025-10-23. Review status: criteria provided, single submitter. Criteria: Invitae Variant Classification Sherloc (09022015). Collection method: clinical testing. Allele origin: germline.
Comment: This sequence change replaces arginine, which is basic and polar, with cysteine, which is neutral and slightly polar, at codon 1571 of the MYOM1 protein (p.Arg1571Cys). This variant is present in population databases (rs373419422, gnomAD 0.04%). This variant has not been reported in the literature in individuals affected with MYOM1-related conditions. ClinVar contains an entry for this variant (Variation ID: 524939). An algorithm developed to predict the effect of missense changes on protein structure and function (PolyPhen-2) suggests that this variant is likely to be disruptive. In summary, the available evidence is currently insufficient to determine the role of this variant in disease. Therefore, it has been classified as a Variant of Uncertain Significance.

Ambry Genetics
Classification: Uncertain significance. Last evaluated: 2025-07-15. Review status: criteria provided, single submitter. Criteria: Ambry Variant Classification Scheme 2023. Collection method: clinical testing. Allele origin: germline.

Stanford Center for Inherited Cardiovascular Disease, Stanford University
Classification: Uncertain significance. Last evaluated: 2017-09-28. Review status: criteria provided, single submitter. Criteria: ACMG Guidelines, 2015. Collection method: provider interpretation. Allele origin: germline.

NM_003803.4(MYOM1):c.4711C>T (p.Arg1571Cys)

Gene: MYOM1 (myomesin 1; minus strand). Cytogenetic location: 18p11.31.
Variant type: single nucleotide variant.
Coding change: c.4711C>T on transcript NM_003803.4 (MANE Select); coding-DNA position 4711, C replaced by T.
Protein change: p.Arg1571Cys; replaces arginine 1571 with cysteine.
Molecular consequence: missense variant.
Genome position (GRCh38, 1-based): chr18:3,071,887, G>A on the plus strand (C>T on the coding strand, the complement: MYOM1 is on the minus strand). VCF-style: chr18-3071887-G-A. GRCh37 (hg19) VCF-style: chr18-3071885-G-A.
Other names: c.4423C>T, p.Arg1475Cys (NM_019856.2); short protein forms R1571C, R1475C.
Identifiers: ClinVar variation 524939 (VCV000524939.13), dbSNP rs373419422, ClinGen allele CA8873794.